The following is an entry in ClinVar:

NM_001458.5(FLNC):c.4628G>C (p.Arg1543Pro)

Gene: FLNC (filamin C; plus strand). Cytogenetic location: 7q32.1.
Variant type: single nucleotide variant.
Coding change: c.4628G>C on transcript NM_001458.5 (MANE Select); coding-DNA position 4628, G replaced by C.
Protein change: p.Arg1543Pro; replaces arginine 1543 with proline.
Molecular consequence: missense variant.
Genome position (GRCh38, 1-based): chr7:128,848,608, G>C. VCF-style: chr7-128848608-G-C. GRCh37 (hg19) VCF-style: chr7-128488662-G-C.
Other names: c.4628G>C, p.Arg1543Pro (NM_001127487.2); short protein forms R1543P.
Identifiers: ClinVar variation 1305167 (VCV001305167.3), dbSNP rs369178040, ClinGen allele CA369202174.
Genomic context (GRCh38, chr7:128,848,608, plus strand): 5'-TCTGCTCCTCAAGCCCCTTCAAGATCAAGGTCCTCCCAGCTCATGATGCCAGCAAGGTGC[G>C]GGCCAGCGGCCCAGGCCTCAACGCCTCTGGCATCCCTGCCAGCCTGCCTGTGGAGTTCAC-3'
Protein context (NP_001449.3, residues 1533-1553): VLPAHDASKV[Arg1543Pro]ASGPGLNASG

ClinVar aggregate classification (germline): Uncertain significance. Review status: criteria provided, multiple submitters, no conflicts (2 of 4 stars). 2 submissions from 2 submitters: Uncertain significance (2). Last evaluated 2022-05-27.

Submissions (2):

Clinical Genetics Laboratory, Skane University Hospital Lund
Classification: Uncertain significance. Last evaluated: 2022-05-27. Review status: criteria provided, single submitter. Criteria: ACMG Guidelines, 2015. Collection method: clinical testing. Allele origin: germline. Affected: yes.

GeneDx
Classification: Uncertain significance. Last evaluated: 2019-08-05. Review status: criteria provided, single submitter. Criteria: GeneDx Variant Classification Process June 2021. Collection method: clinical testing. Allele origin: germline. Affected: yes.
Comment: Has not been previously published as pathogenic or benign to our knowledge; Not observed in large population cohorts (Lek et al., 2016); In silico analysis, which includes protein predictors and evolutionary conservation, supports a deleterious effect